The following is an entry in ClinVar:

NM_002485.5(NBN):c.1553C>G (p.Ser518Ter)

Gene: NBN (nibrin; minus strand). Cytogenetic location: 8q21.3.
Variant type: single nucleotide variant.
Coding change: c.1553C>G on transcript NM_002485.5 (MANE Select); coding-DNA position 1553, C replaced by G.
Protein change: p.Ser518Ter; replaces serine 518 with a stop codon.
Molecular consequence: nonsense.
Genome position (GRCh38, 1-based): chr8:89,953,536, G>C on the plus strand (C>G on the coding strand, the complement: NBN is on the minus strand). VCF-style: chr8-89953536-G-C. GRCh37 (hg19) VCF-style: chr8-90965764-G-C.
Other names: c.1307C>G, p.Ser436Ter (NM_001024688.3); short protein forms S518*, S436*.
Identifiers: ClinVar variation 411775 (VCV000411775.8), dbSNP rs1060503480, ClinGen allele CA16612360.

ClinVar aggregate classification (germline): Pathogenic/Likely pathogenic. Review status: criteria provided, multiple submitters, no conflicts (2 of 4 stars). 2 submissions from 2 submitters: Pathogenic (1); Likely pathogenic (1). Last evaluated 2023-07-12.

Conditions:
NBN-related disorder. Also called: NBN-related condition.
Microcephaly, normal intelligence and immunodeficiency (NBS). Also called: SEEMANOVA SYNDROME II; Immunodeficiency, microcephaly with normal intelligence; IMMUNODEFICIENCY, MICROCEPHALY, AND CHROMOSOMAL INSTABILITY; Nijmegen breakage syndrome; Microcephaly with normal intelligence immunodeficiency and lymphoreticular malignancies; Nonsyndromal microcephaly autosomal recessive with normal intelligence. Identifiers: Orphanet 647, MedGen C0398791, MONDO:0009623, OMIM 251260.

Allele frequency attached by ClinVar (database versions not stated): gnomAD exomes below 0.00001; gnomAD 0.00001; 1000 Genomes Project 30x 0.00016.
gnomAD v4.1: 2 of 1,613,752 alleles (0.00012%); highest among the groups gnomAD compares: Admixed American, 0.0017%; no homozygotes.

Submissions (2):

Blueprint Genetics
Classification: Likely pathogenic for NBN-related disorders. Last evaluated: 2023-07-12. Review status: criteria provided, single submitter. Criteria: ACMG Guidelines, 2015. Collection method: clinical testing. Allele origin: germline. Affected: yes. Observed: 1 variant allele.

Labcorp Genetics (formerly Invitae), Labcorp
Classification: Pathogenic for Microcephaly, normal intelligence and immunodeficiency. Last evaluated: 2021-12-07. Review status: criteria provided, single submitter. Criteria: Invitae Variant Classification Sherloc (09022015). Collection method: clinical testing. Allele origin: germline.
Comment: This sequence change creates a premature translational stop signal (p.Ser518*) in the NBN gene. It is expected to result in an absent or disrupted protein product. Loss-of-function variants in NBN are known to be pathogenic (PMID: 9590180, 16415040). This variant is not present in population databases (gnomAD no frequency). This variant has not been reported in the literature in individuals affected with NBN-related conditions. ClinVar contains an entry for this variant (Variation ID: 411775). For these reasons, this variant has been classified as Pathogenic.

Literature cited by the submitters: PubMed 9590180 (cited by Labcorp Genetics (formerly Invitae), Labcorp); PubMed 16415040 (cited by Labcorp Genetics (formerly Invitae), Labcorp).